The following is an entry in ClinVar:

NM_006231.4(POLE):c.3319A>G (p.Lys1107Glu)

Gene: POLE (DNA polymerase epsilon, catalytic subunit; minus strand). Cytogenetic location: 12q24.33.
Variant type: single nucleotide variant.
Coding change: c.3319A>G on transcript NM_006231.4 (MANE Select); coding-DNA position 3319, A replaced by G.
Protein change: p.Lys1107Glu; replaces lysine 1107 with glutamic acid.
Molecular consequence: missense variant.
Genome position (GRCh38, 1-based): chr12:132,657,927, T>C on the plus strand (A>G on the coding strand, the complement: POLE is on the minus strand). VCF-style: chr12-132657927-T-C. GRCh37 (hg19) VCF-style: chr12-133234513-T-C.
Other names: c.3319A>G (NM_006231.2); short protein forms K1107E.
Identifiers: ClinVar variation 1003925 (VCV001003925.9), dbSNP rs772795963, ClinGen allele CA387389711.

ClinVar aggregate classification (germline): Uncertain significance. Review status: criteria provided, multiple submitters, no conflicts (2 of 4 stars). 2 submissions from 2 submitters: Uncertain significance (2). Last evaluated 2025-05-15.

Conditions:
Hereditary cancer-predisposing syndrome. Also called: Hereditary neoplastic syndrome; Neoplastic Syndromes, Hereditary; Tumor predisposition; Hereditary Cancer Syndrome. Identifiers: Orphanet 140162, MedGen C0027672, MeSH D009386, MONDO:0015356.

gnomAD v4.1: 1 of 1,614,158 alleles (0.000062%); highest among the groups gnomAD compares: Non-Finnish European, 0.000085%; no homozygotes.

Submissions (2):

Ambry Genetics
Classification: Uncertain significance for Hereditary cancer-predisposing syndrome. Last evaluated: 2025-05-15. Review status: criteria provided, single submitter. Criteria: Ambry Variant Classification Scheme 2023. Collection method: clinical testing. Allele origin: germline.
Comment: The p.K1107E variant (also known as c.3319A>G), located in coding exon 27 of the POLE gene, results from an A to G substitution at nucleotide position 3319. The lysine at codon 1107 is replaced by glutamic acid, an amino acid with similar properties. This amino acid position is conserved. In addition, this alteration is predicted to be tolerated by in silico analysis. Based on the available evidence, the clinical significance of this variant remains unclear.

Labcorp Genetics (formerly Invitae), Labcorp
Classification: Uncertain significance. Last evaluated: 2020-05-29. Review status: criteria provided, single submitter. Criteria: Invitae Variant Classification Sherloc (09022015). Collection method: clinical testing. Allele origin: germline.
Comment: In summary, the available evidence is currently insufficient to determine the role of this variant in disease. Therefore, it has been classified as a Variant of Uncertain Significance. Algorithms developed to predict the effect of missense changes on protein structure and function (SIFT, PolyPhen-2, Align-GVGD) all suggest that this variant is likely to be tolerated, but these predictions have not been confirmed by published functional studies and their clinical significance is uncertain. This variant has not been reported in the literature in individuals with POLE-related conditions. This variant is not present in population databases (ExAC no frequency). This sequence change replaces lysine with glutamic acid at codon 1107 of the POLE protein (p.Lys1107Glu). The lysine residue is moderately conserved and there is a small physicochemical difference between lysine and glutamic acid.